The following is an entry in ClinVar:

NM_001148.6(ANK2):c.3434G>A (p.Arg1145Gln)

Gene: ANK2 (ankyrin 2; plus strand). Cytogenetic location: 4q26.
Variant type: single nucleotide variant.
Coding change: c.3434G>A on transcript NM_001148.6 (MANE Select); coding-DNA position 3434, G replaced by A.
Protein change: p.Arg1145Gln; replaces arginine 1145 with glutamine.
Molecular consequence: missense variant.
Genome position (GRCh38, 1-based): chr4:113,335,900, G>A. VCF-style: chr4-113335900-G-A. GRCh37 (hg19) VCF-style: chr4-114257056-G-A.
Other names: c.3407G>A, p.Arg1136Gln (NM_001127493.3); c.3446G>A, p.Arg1149Gln (NM_001354225.2); c.3335G>A, p.Arg1112Gln (NM_001354228.2, NM_001354258.2); c.3413G>A, p.Arg1138Gln (NM_001354230.2); c.3476G>A, p.Arg1159Gln (NM_001354231.2, NM_001354242.2); c.3470G>A, p.Arg1157Gln (NM_001354232.2); c.3431G>A, p.Arg1144Gln (NM_001354235.2, NM_001354246.2, NM_001354265.2); c.3332G>A, p.Arg1111Gln (NM_001354236.2); and 30 more; short protein forms R1017Q, R1045Q, R1050Q, R1058Q, R1070Q, R1074Q, R1078Q, R1079Q.
Identifiers: ClinVar variation 1000240 (VCV001000240.12), dbSNP rs2093465785, ClinGen allele CA357937425.

ClinVar aggregate classification (germline): Uncertain significance. Review status: criteria provided, multiple submitters, no conflicts (2 of 4 stars). 5 submissions from 5 submitters: Uncertain significance (5). Last evaluated 2025-02-25.

Conditions:
Cardiac arrhythmia, ankyrin-B-related. Also called: ANKYRIN-B SYNDROME. Identifiers: Orphanet 101016, Orphanet 768, MedGen C1970119, MONDO:0010958, OMIM 600919.
Cardiovascular phenotype. Identifiers: MedGen CN230736.
Long QT syndrome (LQTS). Identifiers: MedGen C0023976, MeSH D008133, MONDO:0002442. Disease mechanism: loss of function. Inheritance: Various modes of inheritance.

Allele frequency attached by ClinVar (database versions not stated): gnomAD exomes 0.00002.
gnomAD v4.1: 24 of 1,614,134 alleles (0.0015%); highest among the groups gnomAD compares: Middle Eastern, 0.016%; no homozygotes.

Submissions (5):

Dasa
Classification: Uncertain significance. Last evaluated: 2025-02-25. Review status: criteria provided, single submitter. Criteria: DASA Assertion Criteria. Collection method: clinical testing. Allele origin: germline.
Comment: NM_001148.6(ANK2):c.3434G>A (p.Arg1145Gln) is a missense variant that results in the substitution of arginine with glutamine. This variant is rare in population databases. Computational prediction algorithms are consistent with a benign effect. The currently available literature and clinical evidence are not sufficient to establish a definitive association between this variant and the reported condition. Therefore, this variant is classified as a variant of uncertain significance.

Ambry Genetics
Classification: Uncertain significance for Cardiovascular phenotype. Last evaluated: 2024-11-10. Review status: criteria provided, single submitter. Criteria: Ambry Variant Classification Scheme 2023. Collection method: clinical testing. Allele origin: germline.
Comment: The p.R1145Q variant (also known as c.3434G>A), located in coding exon 30 of the ANK2 gene, results from a G to A substitution at nucleotide position 3434. The arginine at codon 1145 is replaced by glutamine, an amino acid with highly similar properties. This amino acid position is highly conserved in available vertebrate species. In addition, the in silico prediction for this alteration is inconclusive. Since supporting evidence is limited at this time, the clinical significance of this alteration remains unclear.

GeneDx
Classification: Uncertain significance. Last evaluated: 2023-01-11. Review status: criteria provided, single submitter. Criteria: GeneDx Variant Classification Process June 2021. Collection method: clinical testing. Allele origin: germline. Affected: yes.
Comment: Has not been previously published as pathogenic or benign to our knowledge; In silico analysis supports that this missense variant has a deleterious effect on protein structure/function; Not observed at significant frequency in large population cohorts (gnomAD)

Labcorp Genetics (formerly Invitae), Labcorp
Classification: Uncertain significance for Long QT syndrome. Last evaluated: 2023-01-03. Review status: criteria provided, single submitter. Criteria: Invitae Variant Classification Sherloc (09022015). Collection method: clinical testing. Allele origin: germline.
Comment: In summary, the available evidence is currently insufficient to determine the role of this variant in disease. Therefore, it has been classified as a Variant of Uncertain Significance. Advanced modeling of protein sequence and biophysical properties (such as structural, functional, and spatial information, amino acid conservation, physicochemical variation, residue mobility, and thermodynamic stability) has been performed at Invitae for this missense variant, however the output from this modeling did not meet the statistical confidence thresholds required to predict the impact of this variant on ANK2 protein function. ClinVar contains an entry for this variant (Variation ID: 1000240). This variant has not been reported in the literature in individuals affected with ANK2-related conditions. This variant is not present in population databases (gnomAD no frequency). This sequence change replaces arginine, which is basic and polar, with glutamine, which is neutral and polar, at codon 1145 of the ANK2 protein (p.Arg1145Gln).

Fulgent Genetics
Classification: Uncertain significance for Cardiac arrhythmia, ankyrin-B-related. Last evaluated: 2021-08-31. Review status: criteria provided, single submitter. Criteria: ACMG Guidelines, 2015. Collection method: clinical testing. Allele origin: unknown.